The following is an entry in ClinVar:

NM_030962.4(SBF2):c.2827C>T (p.Arg943Trp)

Genes: SBF2 (SET binding factor 2; minus strand), LOC101928008 (uncharacterized LOC101928008; plus strand). Cytogenetic location: 11p15.4.
Variant type: single nucleotide variant.
Coding change: c.2827C>T on transcript NM_030962.4 (MANE Select); coding-DNA position 2827, C replaced by T.
Protein change: p.Arg943Trp; replaces arginine 943 with tryptophan.
Molecular consequence: missense variant.
Genome position (GRCh38, 1-based): chr11:9,847,063, G>A on the plus strand (C>T on the coding strand, the complement: SBF2 is on the minus strand). VCF-style: chr11-9847063-G-A. GRCh37 (hg19) VCF-style: chr11-9868610-G-A.
Other names: c.2827C>T, p.Arg943Trp (NM_001386339.1); c.2698C>T, p.Arg900Trp (NM_001386342.1); short protein forms R943W, R900W.
Identifiers: ClinVar variation 863337 (VCV000863337.10), dbSNP rs1324654662, ClinGen allele CA379634018.

ClinVar aggregate classification (germline): Uncertain significance (1 of 4 stars; one submission).

Conditions:
Charcot-Marie-Tooth disease type 4. Also called: Charcot-Marie-Tooth disease, type IV; Charcot-Marie-Tooth, Type 4. Identifiers: Orphanet 64749, MedGen C4082197, MONDO:0018995.

gnomAD v4.1: 4 of 1,613,690 alleles (0.00025%); highest among the groups gnomAD compares: Non-Finnish European, 0.00034%; no homozygotes.

Submission:

Labcorp Genetics (formerly Invitae), Labcorp
Classification: Uncertain significance for Charcot-Marie-Tooth disease type 4. Last evaluated: 2022-10-28. Review status: criteria provided, single submitter. Criteria: Invitae Variant Classification Sherloc (09022015). Collection method: clinical testing. Allele origin: germline.
Comment: This sequence change replaces arginine, which is basic and polar, with tryptophan, which is neutral and slightly polar, at codon 943 of the SBF2 protein (p.Arg943Trp). This variant is not present in population databases (gnomAD no frequency). In summary, the available evidence is currently insufficient to determine the role of this variant in disease. Therefore, it has been classified as a Variant of Uncertain Significance. Advanced modeling of protein sequence and biophysical properties (such as structural, functional, and spatial information, amino acid conservation, physicochemical variation, residue mobility, and thermodynamic stability) performed at Invitae indicates that this missense variant is expected to disrupt SBF2 protein function. ClinVar contains an entry for this variant (Variation ID: 863337). This variant has not been reported in the literature in individuals affected with SBF2-related conditions.